The following is an entry in ClinVar:

ClinVar aggregate classification (germline): Uncertain significance (1 of 4 stars; one submission).

Conditions:
Brachyolmia-amelogenesis imperfecta syndrome. Also called: PLATYSPONDYLY WITH AMELOGENESIS IMPERFECTA; Tooth agenesis, selective, 6; Dental anomalies and short stature. Identifiers: Orphanet 2899, MedGen C1832594, MONDO:0011018, OMIM 601216. Disease mechanism: loss of function.

Allele frequency attached by ClinVar (database versions not stated): TOPMed below 0.00001; ExAC 0.00001; gnomAD 0.00001.
gnomAD v4.1: 3 of 1,613,770 alleles (0.00019%); highest among the groups gnomAD compares: Middle Eastern, 0.016%; no homozygotes.

Submission:

Labcorp Genetics (formerly Invitae), Labcorp
Classification: Uncertain significance for Brachyolmia-amelogenesis imperfecta syndrome. Last evaluated: 2023-07-19. Review status: criteria provided, single submitter. Criteria: Invitae Variant Classification Sherloc (09022015). Collection method: clinical testing. Allele origin: germline.
Comment: This sequence change replaces phenylalanine, which is neutral and non-polar, with leucine, which is neutral and non-polar, at codon 679 of the LTBP3 protein (p.Phe679Leu). This variant is present in population databases (rs766612703, gnomAD 0.006%). This variant has not been reported in the literature in individuals affected with LTBP3-related conditions. An algorithm developed to predict the effect of missense changes on protein structure and function (PolyPhen-2) suggests that this variant is likely to be tolerated. In summary, the available evidence is currently insufficient to determine the role of this variant in disease. Therefore, it has been classified as a Variant of Uncertain Significance.

NM_001130144.3(LTBP3):c.2035T>C (p.Phe679Leu)

Gene: LTBP3 (latent transforming growth factor beta binding protein 3; minus strand). Cytogenetic location: 11q13.1.
Variant type: single nucleotide variant.
Coding change: c.2035T>C on transcript NM_001130144.3 (MANE Select); coding-DNA position 2035, T replaced by C.
Protein change: p.Phe679Leu; replaces phenylalanine 679 with leucine.
Molecular consequence: missense variant.
Genome position (GRCh38, 1-based): chr11:65,547,511, A>G on the plus strand (T>C on the coding strand, the complement: LTBP3 is on the minus strand). VCF-style: chr11-65547511-A-G. GRCh37 (hg19) VCF-style: chr11-65314982-A-G.
Other names: c.1684T>C, p.Phe562Leu (NM_001164266.1); c.2035T>C, p.Phe679Leu (NM_021070.4); short protein forms F562L, F679L.
Identifiers: ClinVar variation 2883521 (VCV002883521.3), dbSNP rs766612703, ClinGen allele CA6100759.